The following is an entry in ClinVar:

NM_003072.5(SMARCA4):c.4127A>C (p.Glu1376Ala)

Gene: SMARCA4 (SWI/SNF related BAF chromatin remodeling complex subunit ATPase 4; plus strand). Cytogenetic location: 19p13.2.
Variant type: single nucleotide variant.
Coding change: c.4127A>C on transcript NM_003072.5 (MANE Select); coding-DNA position 4127, A replaced by C.
Protein change: p.Glu1376Ala; replaces glutamic acid 1376 with alanine.
Molecular consequence: missense variant. On other transcripts: non-coding transcript variant (1).
Genome position (GRCh38, 1-based): chr19:11,035,089, A>C. VCF-style: chr19-11035089-A-C. GRCh37 (hg19) VCF-style: chr19-11145765-A-C.
Other names: c.4127A>C, p.Glu1376Ala (NM_001128844.3, NM_001128849.3, NM_001387283.1); c.4028A>C, p.Glu1343Ala (NM_001128845.2, NM_001128846.2, NM_001128847.4 and 3 more transcripts); short protein forms E1343A, E1376A.
Identifiers: ClinVar variation 1738047 (VCV001738047.5), dbSNP rs2146703053, ClinGen allele CA404068472.

ClinVar aggregate classification (germline): Uncertain significance. Review status: criteria provided, multiple submitters, no conflicts (2 of 4 stars). 2 submissions from 2 submitters: Uncertain significance (2). Last evaluated 2023-03-27.

Conditions:
Hereditary cancer-predisposing syndrome. Also called: Neoplastic Syndromes, Hereditary; Tumor predisposition; Hereditary Cancer Syndrome; Hereditary neoplastic syndrome. Identifiers: Orphanet 140162, MedGen C0027672, MeSH D009386, MONDO:0015356.
Rhabdoid tumor predisposition syndrome 2 (RTPS2). Identifiers: Orphanet 231108, Orphanet 69077, MedGen C2750074, MONDO:0013224, OMIM 613325.

Allele frequency attached by ClinVar (database versions not stated): gnomAD exomes below 0.00001.
gnomAD v4.1: 4 of 1,613,082 alleles (0.00025%); highest among the groups gnomAD compares: Non-Finnish European, 0.00034%; no homozygotes.

Submissions (2):

Labcorp Genetics (formerly Invitae), Labcorp
Classification: Uncertain significance for Rhabdoid tumor predisposition syndrome 2. Last evaluated: 2023-03-27. Review status: criteria provided, single submitter. Criteria: Invitae Variant Classification Sherloc (09022015). Collection method: clinical testing. Allele origin: germline.
Comment: In summary, the available evidence is currently insufficient to determine the role of this variant in disease. Therefore, it has been classified as a Variant of Uncertain Significance. Advanced modeling of protein sequence and biophysical properties (such as structural, functional, and spatial information, amino acid conservation, physicochemical variation, residue mobility, and thermodynamic stability) performed at Invitae indicates that this missense variant is expected to disrupt SMARCA4 protein function. ClinVar contains an entry for this variant (Variation ID: 1738047). This variant has not been reported in the literature in individuals affected with SMARCA4-related conditions. This variant is not present in population databases (gnomAD no frequency). This sequence change replaces glutamic acid, which is acidic and polar, with alanine, which is neutral and non-polar, at codon 1376 of the SMARCA4 protein (p.Glu1376Ala).

Ambry Genetics
Classification: Uncertain significance for Hereditary cancer-predisposing syndrome. Last evaluated: 2021-11-12. Review status: criteria provided, single submitter. Criteria: Ambry Variant Classification Scheme 2023. Collection method: clinical testing. Allele origin: germline.
Comment: The p.E1376A variant (also known as c.4127A>C), located in coding exon 28 of the SMARCA4 gene, results from an A to C substitution at nucleotide position 4127. The glutamic acid at codon 1376 is replaced by alanine, an amino acid with dissimilar properties. This amino acid position is well conserved in available vertebrate species. In addition, this alteration is predicted to be deleterious by in silico analysis. Missense and in-frame variants in SMARCA4 are known to cause neurodevelopmental disorders; however, such associations with rhabdoid tumor predisposition syndrome including small cell carcinoma of the ovary-hypercalcemic type (SCCOHT) are exceedingly rare (Kosho T et al. Am J Med Genet C Semin Med Genet. 2014 Sep;166C(3):262-75; Jelinic P et al. Nat Genet. 2014 May;46(5):424-6). Since supporting evidence is limited at this time, the clinical significance of this alteration remains unclear.